The following is an entry in ClinVar:

NM_001113378.2(FANCI):c.3166C>A (p.His1056Asn)

Gene: FANCI (FA complementation group I; plus strand). Cytogenetic location: 15q26.1.
Variant type: single nucleotide variant.
Coding change: c.3166C>A on transcript NM_001113378.2 (MANE Select); coding-DNA position 3166, C replaced by A.
Protein change: p.His1056Asn; replaces histidine 1056 with asparagine.
Molecular consequence: missense variant.
Genome position (GRCh38, 1-based): chr15:89,305,222, C>A. VCF-style: chr15-89305222-C-A. GRCh37 (hg19) VCF-style: chr15-89848453-C-A.
Other names: c.2887C>A, p.His963Asn (NM_001376910.1); c.3166C>A, p.His1056Asn (NM_001376911.1); c.2986C>A, p.His996Asn (NM_018193.3); short protein forms H1056N, H963N, H996N.
Identifiers: ClinVar variation 963481 (VCV000963481.8), dbSNP rs2054670897, ClinGen allele CA393739477.
Genomic context (GRCh38, chr15:89,305,222, plus strand): 5'-CATGTTTCGTATAAGAGTCCTGTCATTCTGCTGCGTGACTTGTCCCAGGATATCCACGGG[C>A]ATCTGGGAGATATAGACCAGGTACTATAATGAGCCTTCAGTACAATACCCTGTGTGGGGA-3'
Protein context (NP_001106849.1, residues 1046-1066): LRDLSQDIHG[His1056Asn]LGDIDQDVEV

ClinVar aggregate classification (germline): Uncertain significance (1 of 4 stars; one submission).

Conditions:
Fanconi anemia (FA). Also called: Fanconi's anemia. Identifiers: Orphanet 84, MedGen C0015625, MeSH D005199, MONDO:0019391.

Allele frequency attached by ClinVar (database versions not stated): gnomAD exomes below 0.00001.

Submission:

Labcorp Genetics (formerly Invitae), Labcorp
Classification: Uncertain significance for Fanconi anemia. Last evaluated: 2022-03-07. Review status: criteria provided, single submitter. Criteria: Invitae Variant Classification Sherloc (09022015). Collection method: clinical testing. Allele origin: germline.
Comment: In summary, the available evidence is currently insufficient to determine the role of this variant in disease. Therefore, it has been classified as a Variant of Uncertain Significance. Algorithms developed to predict the effect of missense changes on protein structure and function (SIFT, PolyPhen-2, Align-GVGD) all suggest that this variant is likely to be tolerated. This sequence change replaces histidine, which is basic and polar, with asparagine, which is neutral and polar, at codon 1056 of the FANCI protein (p.His1056Asn). This variant is not present in population databases (gnomAD no frequency). This variant has not been reported in the literature in individuals affected with FANCI-related conditions. ClinVar contains an entry for this variant (Variation ID: 963481).